The following is an entry in ClinVar:

NM_001378183.1(PIEZO2):c.7411A>G (p.Thr2471Ala)

Gene: PIEZO2 (piezo type mechanosensitive ion channel component 2; minus strand). Cytogenetic location: 18p11.22.
Variant type: single nucleotide variant.
Coding change: c.7411A>G on transcript NM_001378183.1 (MANE Select); coding-DNA position 7411, A replaced by G.
Protein change: p.Thr2471Ala; replaces threonine 2471 with alanine.
Molecular consequence: missense variant.
Genome position (GRCh38, 1-based): chr18:10,689,741, T>C on the plus strand (A>G on the coding strand, the complement: PIEZO2 is on the minus strand). VCF-style: chr18-10689741-T-C. GRCh37 (hg19) VCF-style: chr18-10689739-T-C.
Other names: c.7147A>G, p.Thr2383Ala (NM_001410871.1); c.7072A>G, p.Thr2358Ala (NM_022068.4); short protein forms T2383A, T2471A, T2358A.
Identifiers: ClinVar variation 4740301 (VCV004740301.1).
Genomic context (GRCh38, chr18:10,689,741, plus strand): 5'-GGATGAATATGTGAGCATAGATGTCCTCCACACAGATCCAGCTGGACAGGCTCAAAGTTG[T>C]GTCCGTCCACACCCAGTCCATCACTGCCCTCAGCTCAGTCAAAAAGGGCACGAGGCGAAA-3'
Protein context (NP_001365112.1, residues 2461-2481): RAVMDWVWTD[Thr2471Ala]TLSLSSWICV

ClinVar aggregate classification (germline): Uncertain significance (1 of 4 stars; one submission).

gnomAD v4.1: 1 of 1,614,242 alleles (0.000062%); highest among the groups gnomAD compares: Non-Finnish European, 0.000085%; no homozygotes.

Submission:

Labcorp Genetics (formerly Invitae), Labcorp
Classification: Uncertain significance. Last evaluated: 2025-10-06. Review status: criteria provided, single submitter. Criteria: Invitae Variant Classification Sherloc (09022015). Collection method: clinical testing. Allele origin: germline.
Comment: This sequence change replaces threonine, which is neutral and polar, with alanine, which is neutral and non-polar, at codon 2358 of the PIEZO2 protein (p.Thr2358Ala). This variant is not present in population databases (gnomAD no frequency). This variant has not been reported in the literature in individuals affected with PIEZO2-related conditions. Invitae Evidence Modeling of protein sequence and biophysical properties (such as structural, functional, and spatial information, amino acid conservation, physicochemical variation, residue mobility, and thermodynamic stability) indicates that this missense variant is expected to disrupt PIEZO2 protein function with a positive predictive value of 80%. In summary, the available evidence is currently insufficient to determine the role of this variant in disease. Therefore, it has been classified as a Variant of Uncertain Significance.